The following is an entry in ClinVar:

ClinVar aggregate classification (germline): Uncertain significance. Review status: criteria provided, multiple submitters, no conflicts (2 of 4 stars). 2 submissions from 2 submitters: Uncertain significance (2). Last evaluated 2025-04-07.

Conditions:
Epileptic encephalopathy. Identifiers: MedGen C0543888, HP:0200134.

Allele frequency attached by ClinVar (database versions not stated): TOPMed 0.00002; gnomAD exomes 0.00003 and 0.00004; gnomAD 0.00001; ExAC 0.00002.
gnomAD v4.1: 44 of 1,613,206 alleles (0.0027%); highest among the groups gnomAD compares: South Asian, 0.0088%; no homozygotes.

Submissions (2):

Ambry Genetics
Classification: Uncertain significance. Last evaluated: 2025-04-07. Review status: criteria provided, single submitter. Criteria: Ambry Variant Classification Scheme 2023. Collection method: clinical testing. Allele origin: germline.

Labcorp Genetics (formerly Invitae), Labcorp
Classification: Uncertain significance for Epileptic encephalopathy. Last evaluated: 2019-10-18. Review status: criteria provided, single submitter. Criteria: Invitae Variant Classification Sherloc (09022015). Collection method: clinical testing. Allele origin: germline.
Comment: In summary, the available evidence is currently insufficient to determine the role of this variant in disease. Therefore, it has been classified as a Variant of Uncertain Significance. Algorithms developed to predict the effect of missense changes on protein structure and function (SIFT, PolyPhen-2, Align-GVGD) all suggest that this variant is likely to be disruptive, but these predictions have not been confirmed by published functional studies and their clinical significance is uncertain. This variant has not been reported in the literature in individuals with RYR3-related disease. This variant is present in population databases (rs776894612, ExAC 0.006%). This sequence change replaces arginine with histidine at codon 2224 of the RYR3 protein (p.Arg2224His). The arginine residue is highly conserved and there is a small physicochemical difference between arginine and histidine.

NM_001036.6(RYR3):c.6671G>A (p.Arg2224His)

Gene: RYR3 (ryanodine receptor 3; plus strand). Cytogenetic location: 15q14.
Variant type: single nucleotide variant.
Coding change: c.6671G>A on transcript NM_001036.6 (MANE Select); coding-DNA position 6671, G replaced by A.
Protein change: p.Arg2224His; replaces arginine 2224 with histidine.
Molecular consequence: missense variant.
Genome position (GRCh38, 1-based): chr15:33,722,766, G>A. VCF-style: chr15-33722766-G-A. GRCh37 (hg19) VCF-style: chr15-34014967-G-A.
Other names: c.6671G>A, p.Arg2224His (NM_001243996.4); c.6671G>A (NM_001036.3); short protein forms R2224H.
Identifiers: ClinVar variation 969720 (VCV000969720.10), dbSNP rs776894612, ClinGen allele CA7459637.
Genomic context (GRCh38, chr15:33,722,766, plus strand): 5'-CTTCCTCAGGTGAGAGTGTGGAAGAAAACGCCAGCGTTGTGGTCAAGCTGCTCATCAGAC[G>A]CCCAGAGTGCTTCGGCCCGGCCCTGCGGGGTGAGGGGGGAAACGGGCTCTTGGCAGCCAT-3'
Protein context (NP_001027.3, residues 2214-2234): ASVVVKLLIR[Arg2224His]PECFGPALRG